The following is an entry in ClinVar:

NM_001369.3(DNAH5):c.10861A>T (p.Asn3621Tyr)

Gene: DNAH5 (dynein axonemal heavy chain 5; minus strand). Cytogenetic location: 5p15.2.
Variant type: single nucleotide variant.
Coding change: c.10861A>T on transcript NM_001369.3 (MANE Select); coding-DNA position 10861, A replaced by T.
Protein change: p.Asn3621Tyr; replaces asparagine 3621 with tyrosine.
Molecular consequence: missense variant.
Genome position (GRCh38, 1-based): chr5:13,753,244, T>A on the plus strand (A>T on the coding strand, the complement: DNAH5 is on the minus strand). VCF-style: chr5-13753244-T-A. GRCh37 (hg19) VCF-style: chr5-13753353-T-A.
Other names: c.10861A>T (NM_001369.2); short protein forms N3621Y.
Identifiers: ClinVar variation 3666112 (VCV003666112.3).

ClinVar aggregate classification (germline): Uncertain significance. Review status: criteria provided, multiple submitters, no conflicts (2 of 4 stars). 2 submissions from 2 submitters: Uncertain significance (2). Last evaluated 2025-08-19.

Conditions:
Primary ciliary dyskinesia. Also called: Ciliary dyskinesia. Identifiers: Orphanet 244, MedGen C0008780, MONDO:0016575, HP:0012265.

gnomAD v4.1: 18 of 1,613,514 alleles (0.0011%); highest among the groups gnomAD compares: Non-Finnish European, 0.0014%; no homozygotes.

Submissions (2):

Ambry Genetics
Classification: Uncertain significance for Primary ciliary dyskinesia. Last evaluated: 2025-08-19. Review status: criteria provided, single submitter. Criteria: Ambry Variant Classification Scheme 2023. Collection method: clinical testing. Allele origin: germline.
Comment: The p.N3621Y variant (also known as c.10861A>T), located in coding exon 63 of the DNAH5 gene, results from an A to T substitution at nucleotide position 10861. The asparagine at codon 3621 is replaced by tyrosine, an amino acid with dissimilar properties. This amino acid position is conserved. In addition, the in silico prediction for this alteration is inconclusive. Based on the available evidence, the clinical significance of this variant remains unclear.

Labcorp Genetics (formerly Invitae), Labcorp
Classification: Uncertain significance for Primary ciliary dyskinesia. Last evaluated: 2024-09-01. Review status: criteria provided, single submitter. Criteria: Invitae Variant Classification Sherloc (09022015). Collection method: clinical testing. Allele origin: germline.
Comment: This sequence change replaces asparagine, which is neutral and polar, with tyrosine, which is neutral and polar, at codon 3621 of the DNAH5 protein (p.Asn3621Tyr). This variant is present in population databases (rs760521040, gnomAD 0.002%). This variant has not been reported in the literature in individuals affected with DNAH5-related conditions. Invitae Evidence Modeling of protein sequence and biophysical properties (such as structural, functional, and spatial information, amino acid conservation, physicochemical variation, residue mobility, and thermodynamic stability) indicates that this missense variant is not expected to disrupt DNAH5 protein function with a negative predictive value of 95%. In summary, the available evidence is currently insufficient to determine the role of this variant in disease. Therefore, it has been classified as a Variant of Uncertain Significance.